The following is an entry in ClinVar:

NM_001378457.1(DMXL2):c.8164T>C (p.Trp2722Arg)

Gene: DMXL2 (Dmx like 2; minus strand). Cytogenetic location: 15q21.2.
Variant type: single nucleotide variant.
Coding change: c.8164T>C on transcript NM_001378457.1 (MANE Select); coding-DNA position 8164, T replaced by C.
Protein change: p.Trp2722Arg; replaces tryptophan 2722 with arginine.
Molecular consequence: missense variant. On other transcripts: non-coding transcript variant (2).
Genome position (GRCh38, 1-based): chr15:51,458,540, A>G on the plus strand (T>C on the coding strand, the complement: DMXL2 is on the minus strand). VCF-style: chr15-51458540-A-G. GRCh37 (hg19) VCF-style: chr15-51750737-A-G.
Other names: c.8101T>C, p.Trp2701Arg (NM_001174116.3); c.6190T>C, p.Trp2064Arg (NM_001174117.3); c.8161T>C, p.Trp2721Arg (NM_001378458.1); c.7876T>C, p.Trp2626Arg (NM_001378459.1); c.6079T>C, p.Trp2027Arg (NM_001378460.1); c.8098T>C, p.Trp2700Arg (NM_015263.5); short protein forms W2064R, W2626R, W2701R, W2721R, W2027R, W2722R, W2700R.
Identifiers: ClinVar variation 2097484 (VCV002097484.4), dbSNP rs2543004103, ClinGen allele CA392436797.

ClinVar aggregate classification (germline): Uncertain significance (1 of 4 stars; one submission).

Submission:

Labcorp Genetics (formerly Invitae), Labcorp
Classification: Uncertain significance. Last evaluated: 2022-02-13. Review status: criteria provided, single submitter. Criteria: Invitae Variant Classification Sherloc (09022015). Collection method: clinical testing. Allele origin: germline.
Comment: This sequence change replaces tryptophan, which is neutral and slightly polar, with arginine, which is basic and polar, at codon 2701 of the DMXL2 protein (p.Trp2701Arg). This variant is not present in population databases (gnomAD no frequency). This variant has not been reported in the literature in individuals affected with DMXL2-related conditions. Algorithms developed to predict the effect of missense changes on protein structure and function are either unavailable or do not agree on the potential impact of this missense change (SIFT: "Deleterious"; PolyPhen-2: "Probably Damaging"; Align-GVGD: "Class C0"). In summary, the available evidence is currently insufficient to determine the role of this variant in disease. Therefore, it has been classified as a Variant of Uncertain Significance.